The following is an entry in ClinVar:

ClinVar aggregate classification (germline): Uncertain significance (1 of 4 stars; one submission).

Allele frequency attached by ClinVar (database versions not stated): gnomAD exomes below 0.00001; ExAC 0.00001.
gnomAD v4.1: 1 of 1,614,054 alleles (0.000062%); highest among the groups gnomAD compares: South Asian, 0.0011%; no homozygotes.

Submission:

Labcorp Genetics (formerly Invitae), Labcorp
Classification: Uncertain significance. Last evaluated: 2022-12-21. Review status: criteria provided, single submitter. Criteria: Invitae Variant Classification Sherloc (09022015). Collection method: clinical testing. Allele origin: germline.
Comment: In summary, the available evidence is currently insufficient to determine the role of this variant in disease. Therefore, it has been classified as a Variant of Uncertain Significance. Algorithms developed to predict the effect of missense changes on protein structure and function are either unavailable or do not agree on the potential impact of this missense change (SIFT: "Deleterious"; PolyPhen-2: "Benign"; Align-GVGD: "Class C65"). This variant has not been reported in the literature in individuals affected with VCAN-related conditions. This variant is present in population databases (rs769440137, gnomAD 0.003%). This sequence change replaces aspartic acid, which is acidic and polar, with histidine, which is basic and polar, at codon 2659 of the VCAN protein (p.Asp2659His).

NM_004385.5(VCAN):c.7975G>C (p.Asp2659His)

Genes: VCAN (versican; plus strand), VCAN-AS1 (VCAN antisense RNA 1; minus strand). Cytogenetic location: 5q14.3.
Variant type: single nucleotide variant.
Coding change: c.7975G>C on transcript NM_004385.5 (MANE Select); coding-DNA position 7975, G replaced by C.
Protein change: p.Asp2659His; replaces aspartic acid 2659 with histidine.
Molecular consequence: missense variant. On other transcripts: intron variant (2).
Genome position (GRCh38, 1-based): chr5:83,540,978, G>C. VCF-style: chr5-83540978-G-C. GRCh37 (hg19) VCF-style: chr5-82836797-G-C.
Other names: c.5014G>C, p.Asp1672His (NM_001164097.2); c.4004-4559G>C (NM_001164098.2); c.1043-4559G>C (NM_001126336.3); short protein forms D1672H, D2659H.
Identifiers: ClinVar variation 3001889 (VCV003001889.3), dbSNP rs769440137, ClinGen allele CA3333723.